The following is an entry in ClinVar:

NM_005051.3(QARS1):c.32C>G (p.Thr11Ser)

Genes: QARS1 (glutaminyl-tRNA synthetase 1; minus strand), LOC129936736 (ATAC-STARR-seq lymphoblastoid active region 19853; plus strand). Cytogenetic location: 3p21.31.
Variant type: single nucleotide variant.
Coding change: c.32C>G on transcript NM_005051.3 (MANE Select); coding-DNA position 32, C replaced by G.
Protein change: p.Thr11Ser; replaces threonine 11 with serine.
Molecular consequence: missense variant. On other transcripts: non-coding transcript variant (1).
Genome position (GRCh38, 1-based): chr3:49,104,702, G>C on the plus strand (C>G on the coding strand, the complement: QARS1 is on the minus strand). VCF-style: chr3-49104702-G-C. GRCh37 (hg19) VCF-style: chr3-49142135-G-C.
Other names: c.32C>G, p.Thr11Ser (NM_001272073.2); short protein forms T11S.
Identifiers: ClinVar variation 1038237 (VCV001038237.3), dbSNP rs1461865905, ClinGen allele CA352724193.

ClinVar aggregate classification (germline): Uncertain significance (1 of 4 stars; one submission).

Conditions:
Diffuse cerebral and cerebellar atrophy - intractable seizures - progressive microcephaly syndrome. Also called: Microcephaly, progressive, with seizures and cerebral and cerebellar atrophy. Identifiers: Orphanet 404437, MedGen C4014239, MONDO:0014335, OMIM 615760.

Allele frequency attached by ClinVar (database versions not stated): gnomAD 0.00001; gnomAD exomes 0.00001.
gnomAD v4.1: 9 of 1,612,716 alleles (0.00056%); highest among the groups gnomAD compares: Non-Finnish European, 0.00076%; no homozygotes.

Submission:

Labcorp Genetics (formerly Invitae), Labcorp
Classification: Uncertain significance for Diffuse cerebral and cerebellar atrophy - intractable seizures - progressive microcephaly syndrome. Last evaluated: 2026-01-05. Review status: criteria provided, single submitter. Criteria: Invitae Variant Classification Sherloc (09022015). Collection method: clinical testing. Allele origin: germline.
Comment: This sequence change replaces threonine, which is neutral and polar, with serine, which is neutral and polar, at codon 11 of the QARS protein (p.Thr11Ser). This variant is present in population databases (no rsID available, gnomAD 0.01%). This variant has not been reported in the literature in individuals affected with QARS-related conditions. ClinVar contains an entry for this variant (Variation ID: 1038237). Invitae Evidence Modeling of protein sequence and biophysical properties (such as structural, functional, and spatial information, amino acid conservation, physicochemical variation, residue mobility, and thermodynamic stability) has been performed for this missense variant. However, the output from this modeling did not meet the statistical confidence thresholds required to predict the impact of this variant on QARS protein function. In summary, the available evidence is currently insufficient to determine the role of this variant in disease. Therefore, it has been classified as a Variant of Uncertain Significance.